The following is an entry in ClinVar:

NM_000044.6(AR):c.2296G>C (p.Ala766Pro)

Gene: AR (androgen receptor; plus strand). Cytogenetic location: Xq12.
Variant type: single nucleotide variant.
Coding change: c.2296G>C on transcript NM_000044.6 (MANE Select); coding-DNA position 2296, G replaced by C.
Protein change: p.Ala766Pro; replaces alanine 766 with proline.
Molecular consequence: missense variant.
Genome position (GRCh38, 1-based): chrX:67,717,600, G>C. VCF-style: chrX-67717600-G-C. GRCh37 (hg19) VCF-style: chrX-66937442-G-C.
Other names: c.700G>C, p.Ala234Pro (NM_001011645.3); short protein forms A766P, A234P.
Identifiers: ClinVar variation 4994907 (VCV004994907.1).

ClinVar aggregate classification (germline): Likely pathogenic (1 of 4 stars; one submission).

Conditions:
AR-related disorder. Also called: AR-related condition.

Submission:

PreventionGenetics, part of Exact Sciences
Classification: Likely pathogenic for AR-related condition. Last evaluated: 2026-07-24. Review status: criteria provided, single submitter. Criteria: ACMG Guidelines, 2015. Collection method: clinical testing. Allele origin: germline.
Comment: The AR c.2296G>C variant is predicted to result in the amino acid substitution p.Ala766Pro. To our knowledge, this variant has not been reported in the literature or in a large population database (gnomAD), indicating this variant is rare. At PreventionGenetics, this variant has been observed in two siblings with features consistent with X-linked androgen insensitivity, and was determined to be inherited from an unaffected mother (Internal Data). Alternate missense substitutions affecting the same amino acid position (p.Ala766Thr and p.Ala766Ser) have been reported in multiple individuals with complete androgen insensitivity syndrome (Ko et al. 1997. PubMed ID: 9252933; Yuan et al. 2024. PubMed ID: 38938059; Chavez et al. 2001. PubMed ID: 11260228; Elfferich et al. 2013. PubMed ID: 23774508). Taken together, we classify this variant as likely pathogenic.